The following is an entry in ClinVar:

NM_006030.4(CACNA2D2):c.1672G>A (p.Val558Met)

Gene: CACNA2D2 (calcium voltage-gated channel auxiliary subunit alpha2delta 2; minus strand). Cytogenetic location: 3p21.31.
Variant type: single nucleotide variant.
Coding change: c.1672G>A on transcript NM_006030.4 (MANE Select); coding-DNA position 1672, G replaced by A.
Protein change: p.Val558Met; replaces valine 558 with methionine.
Molecular consequence: missense variant.
Genome position (GRCh38, 1-based): chr3:50,376,143, C>T on the plus strand (G>A on the coding strand, the complement: CACNA2D2 is on the minus strand). VCF-style: chr3-50376143-C-T. GRCh37 (hg19) VCF-style: chr3-50413574-C-T.
Other names: c.1672G>A, p.Val558Met (NM_001005505.3, NM_001174051.3); c.1465G>A, p.Val489Met (NM_001291101.1); short protein forms V558M, V489M.
Identifiers: ClinVar variation 583347 (VCV000583347.6), dbSNP rs763772019, ClinGen allele CA2418776.
Genomic context (GRCh38, chr3:50,376,143, plus strand): 5'-GCCCACCCTCCAGGCCACCCGTCTGGCTCACCTGGGGCTTGAGATTGGGGTGCAGCAACA[C>T]GTAGCCGTTCAGGTCAATGGCAAACACATAGCCGTTGGCTCCAAGCTGGAGGCACAGATT-3'
Protein context (NP_006021.2, residues 548-568): YVFAIDLNGY[Val558Met]LLHPNLKPQT

ClinVar aggregate classification (germline): Uncertain significance. Review status: criteria provided, multiple submitters, no conflicts (2 of 4 stars). 2 submissions from 2 submitters: Uncertain significance (2). Last evaluated 2022-01-06.

Conditions:
Developmental and epileptic encephalopathy. Identifiers: MedGen C5779964, MONDO:0100620.

Allele frequency attached by ClinVar (database versions not stated): ExAC 0.00001; gnomAD exomes 0.00002; TOPMed 0.00003; gnomAD 0.00006.
gnomAD v4.1: 83 of 1,613,538 alleles (0.0051%); highest among the groups gnomAD compares: Middle Eastern, 0.017%; no homozygotes.

Submissions (2):

Labcorp Genetics (formerly Invitae), Labcorp
Classification: Uncertain significance for Early-infantile DEE. Last evaluated: 2022-01-06. Review status: criteria provided, single submitter. Criteria: Invitae Variant Classification Sherloc (09022015). Collection method: clinical testing. Allele origin: germline.
Comment: This sequence change replaces valine, which is neutral and non-polar, with methionine, which is neutral and non-polar, at codon 558 of the CACNA2D2 protein (p.Val558Met). This variant is present in population databases (rs763772019, gnomAD 0.006%). This variant has not been reported in the literature in individuals affected with CACNA2D2-related conditions. ClinVar contains an entry for this variant (Variation ID: 583347). Algorithms developed to predict the effect of missense changes on protein structure and function are either unavailable or do not agree on the potential impact of this missense change (SIFT: "Deleterious"; PolyPhen-2: "Probably Damaging"; Align-GVGD: "Class C0"). In summary, the available evidence is currently insufficient to determine the role of this variant in disease. Therefore, it has been classified as a Variant of Uncertain Significance.

Breakthrough Genomics
Classification: Uncertain significance. Review status: criteria provided, single submitter. Criteria: ACMG Guidelines, 2015. Collection method: not provided. Allele origin: germline. Inheritance: Autosomal recessive inheritance. Affected: yes.